The following is an entry in ClinVar:

NM_000530.8(MPZ):c.143T>A (p.Leu48Gln)

Gene: MPZ (myelin protein zero; minus strand). Cytogenetic location: 1q23.3.
Variant type: single nucleotide variant.
Coding change: c.143T>A on transcript NM_000530.8 (MANE Select); coding-DNA position 143, T replaced by A.
Protein change: p.Leu48Gln; replaces leucine 48 with glutamine.
Molecular consequence: missense variant.
Genome position (GRCh38, 1-based): chr1:161,307,349, A>T on the plus strand (T>A on the coding strand, the complement: MPZ is on the minus strand). VCF-style: chr1-161307349-A-T. GRCh37 (hg19) VCF-style: chr1-161277139-A-T.
Other names: c.143T>A (LRG_256t1); c.143T>A, p.Leu48Gln (NM_001315491.2); short protein forms L48Q.
Identifiers: ClinVar variation 637758 (VCV000637758.2), dbSNP rs1571820161, ClinGen allele CA343351247.

ClinVar aggregate classification (germline): Pathogenic. Review status: criteria provided, single submitter (1 of 4 stars). 2 submissions from 2 submitters: Pathogenic (1). 1 of the submissions does not count toward it. Last evaluated 2024-11-14.

Conditions:
Charcot-Marie-Tooth disease. Also called: Charcot-Marie-Tooth Hereditary Neuropathy; Charcot-Marie-Tooth Neuropathy. Identifiers: Orphanet 166, MedGen C0007959, MONDO:0015626.

Submissions (2):

GeneDx
Classification: Pathogenic. Last evaluated: 2024-11-14. Review status: criteria provided, single submitter. Criteria: GeneDx Variant Classification Process June 2021. Collection method: clinical testing. Allele origin: germline. Affected: yes.
Comment: Not observed at significant frequency in large population cohorts (gnomAD); In silico analysis supports that this missense variant has a deleterious effect on protein structure/function; Missense variants in this gene are a common cause of disease and they are underrepresented in the general population; This variant is associated with the following publications: (PMID: 26310628, 20461396, 33179255, 20456450)

Inherited Neuropathy Consortium
Classification: Uncertain significance for Charcot-Marie-Tooth disease. Review status: no assertion criteria provided. Collection method: literature only. Allele origin: germline. Affected: yes. Not counted in ClinVar's aggregate classification.

Literature cited by the submitters: PubMed 20456450 (cited by Inherited Neuropathy Consortium).